The following is an entry in ClinVar:

NM_004046.6(ATP5F1A):c.327G>C (p.Leu109Phe)

Gene: ATP5F1A (ATP synthase F1 subunit alpha; minus strand). Cytogenetic location: 18q21.1.
Variant type: single nucleotide variant.
Coding change: c.327G>C on transcript NM_004046.6 (MANE Select); coding-DNA position 327, G replaced by C.
Protein change: p.Leu109Phe; replaces leucine 109 with phenylalanine.
Molecular consequence: missense variant.
Genome position (GRCh38, 1-based): chr18:46,089,979, C>G on the plus strand (G>C on the coding strand, the complement: ATP5F1A is on the minus strand). VCF-style: chr18-46089979-C-G. GRCh37 (hg19) VCF-style: chr18-43669945-C-G.
Other names: c.177G>C, p.Leu59Phe (NM_001001935.3, NM_001257335.2); c.327G>C, p.Leu109Phe (NM_001001937.2, NM_001257334.2); short protein forms L109F, L59F.
Identifiers: ClinVar variation 3329229 (VCV003329229.1).

ClinVar aggregate classification (germline): Likely pathogenic (1 of 4 stars; one submission).

Conditions:
Inborn genetic diseases. Identifiers: MedGen C0950123, MeSH D030342.

Submission:

Ambry Genetics
Classification: Likely pathogenic for Inborn genetic diseases. Last evaluated: 2024-04-18. Review status: criteria provided, single submitter. Criteria: Ambry Variant Classification Scheme 2023. Collection method: clinical testing. Allele origin: germline.
Comment: The c.327G>C (p.L109F) alteration is located in exon 5 (coding exon 4) of the ATP5F1A gene. This alteration results from a G to C substitution at nucleotide position 327, causing the leucine (L) at amino acid position 109 to be replaced by a phenylalanine (F). for autosomal dominant ATP5F1A-related mitochondrial complex V deficiency; however, its clinical significance for autosomal recessive ATP5F1A-related mitochondrial complex V deficiency is uncertain. This variant was not reported in population-based cohorts in the Genome Aggregation Database (gnomAD). This amino acid position is highly conserved in available vertebrate species. This alteration is predicted to be deleterious by in silico analysis. Based on the available evidence, this alteration is classified as likely pathogenic.